The following is an entry in ClinVar:

NM_001374353.1(GLI2):c.2789G>A (p.Gly930Asp)

Gene: GLI2 (GLI family zinc finger 2; plus strand). Cytogenetic location: 2q14.2.
Variant type: single nucleotide variant.
Coding change: c.2789G>A on transcript NM_001374353.1 (MANE Select); coding-DNA position 2789, G replaced by A.
Protein change: p.Gly930Asp; replaces glycine 930 with aspartic acid.
Molecular consequence: missense variant.
Genome position (GRCh38, 1-based): chr2:120,988,754, G>A. VCF-style: chr2-120988754-G-A. GRCh37 (hg19) VCF-style: chr2-121746330-G-A.
Other names: c.2840G>A, p.Gly947Asp (NM_001371271.1, NM_005270.5); c.2414G>A, p.Gly805Asp (NM_001374354.1); short protein forms G947D, G805D, G930D.
Identifiers: ClinVar variation 2054971 (VCV002054971.4), dbSNP rs1015690843, ClinGen allele CA54381845.

ClinVar aggregate classification (germline): Uncertain significance (1 of 4 stars; one submission).

Conditions:
Postaxial polydactyly-anterior pituitary anomalies-facial dysmorphism syndrome. Also called: Culler-Jones syndrome. Identifiers: Orphanet 420584, MedGen C4014479, MONDO:0014369, OMIM 615849.
Holoprosencephaly 9 (HPE9). Also called: HOLOPROSENCEPHALY WITH MICROPHTHALMIA AND FIRST BRANCHIAL ARCH ANOMALIES; PITUITARY ANOMALIES WITH HOLOPROSENCEPHALY-LIKE FEATURES. Identifiers: Orphanet 2162, MedGen C1835819, MONDO:0012563, OMIM 610829.

Allele frequency attached by ClinVar (database versions not stated): gnomAD 0.00020; gnomAD exomes 0.00001; TOPMed 0.00021.
gnomAD v4.1: 39 of 1,241,182 alleles (0.0031%); highest among the groups gnomAD compares: African/African-American, 0.058%; no homozygotes.

Submission:

Labcorp Genetics (formerly Invitae), Labcorp
Classification: Uncertain significance for Postaxial polydactyly-anterior pituitary anomalies-facial dysmorphism syndrome; Holoprosencephaly 9. Last evaluated: 2025-04-28. Review status: criteria provided, single submitter. Criteria: Invitae Variant Classification Sherloc (09022015). Collection method: clinical testing. Allele origin: germline.
Comment: This sequence change replaces glycine, which is neutral and non-polar, with aspartic acid, which is acidic and polar, at codon 947 of the GLI2 protein (p.Gly947Asp). This variant is present in population databases (no rsID available, gnomAD 0.05%). This missense change has been observed in individual(s) with GLI2-related conditions (PMID: 22967285). ClinVar contains an entry for this variant (Variation ID: 2054971). Invitae Evidence Modeling of protein sequence and biophysical properties (such as structural, functional, and spatial information, amino acid conservation, physicochemical variation, residue mobility, and thermodynamic stability) indicates that this missense variant is not expected to disrupt GLI2 protein function with a negative predictive value of 80%. In summary, the available evidence is currently insufficient to determine the role of this variant in disease. Therefore, it has been classified as a Variant of Uncertain Significance.

Literature cited by the submitters: PubMed 22967285.